The following is an entry in ClinVar:

NM_002225.5(IVD):c.1138+3_1138+14del

Gene: IVD (isovaleryl-CoA dehydrogenase; plus strand). Cytogenetic location: 15q15.1.
Variant type: Deletion.
Coding change: c.1138+3_1138+14del on transcript NM_002225.5 (MANE Select); bases 3 to 14 of the intron after coding-DNA position 1138, 12 bases deleted (GAGTGATCCCCA).
Molecular consequence: intron variant.
Genome position (GRCh38, 1-based): chr15:40,416,365-40,416,376, GAGTGATCCCCA deleted. VCF-style (leftmost placement, unchanged base first): chr15-40416364-TGAGTGATCCCCA-T. GRCh37 (hg19) VCF-style: chr15-40708563-TGAGTGATCCCCA-T.
Other names: c.1225+3_1225+14del (NM_001354600.3, NM_001354599.3); c.1138+3_1138+14del (NM_001354598.3, NM_001354601.3); c.1090+3_1090+14del (NM_001354597.3); c.1048+3_1048+14del (NM_001159508.3); c.1138+3_1138+14del12 (NM_002225.5).
Identifiers: ClinVar variation 1878323 (VCV001878323.1), dbSNP rs2542761287, ClinGen allele CA2580089355.

ClinVar aggregate classification (germline): Uncertain significance (1 of 4 stars; one submission).

Submission:

Women's Health and Genetics/Laboratory Corporation of America, LabCorp
Classification: Uncertain significance. Last evaluated: 2022-12-16. Review status: criteria provided, single submitter. Criteria: LabCorp Variant Classification Summary - May 2015. Collection method: clinical testing. Allele origin: germline.
Comment: Variant summary: IVD c.1138+3_1138+14del12 alters several conserved nucleotides located close to a canonical splice site and therefore could affect mRNA splicing, leading to a significantly altered protein sequence. Several computational tools predict a significant impact on normal splicing: four predict the variant abolishes a 5' splicing donor site. However, these predictions have yet to be confirmed by functional studies. Additionally, variants impacting the same 5' splicing donor site have been associated with Isovaleric acidaemia in HGMD and classified as likely pathogenic in ClinVar. The variant was absent in 251310 control chromosomes. The available data on variant occurrences in the general population are insufficient to allow any conclusion about variant significance. To our knowledge, no occurrence of c.1138+3_1138+14del12 in individuals affected with Isovaleryl-CoA Dehydrogenase Deficiency and no experimental evidence demonstrating its impact on protein function have been reported. No clinical diagnostic laboratories have submitted clinical-significance assessments for this variant to ClinVar after 2014. Based on the evidence outlined above, the variant was classified as VUS - possibly pathogenic.